The following is an entry in ClinVar:

ClinVar aggregate classification (germline): Conflicting classifications of pathogenicity. Review status: criteria provided, conflicting classifications (1 of 4 stars). 6 submissions from 6 submitters: Uncertain significance (1); Benign (3); Likely benign (1). 1 of the submissions does not count toward it. Last evaluated 2025-05-15.

Conditions:
PRPF31-related disorder. Also called: PRPF31-related condition.
Retinal dystrophy. Also called: Inherited retinal dystrophy. Identifiers: Orphanet 71862, MedGen C0854723, MeSH D058499, MONDO:0019118, HP:0000556.
Retinitis pigmentosa (RP). Identifiers: Orphanet 791, MedGen C0035334, MeSH D012174, MONDO:0019200, OMIM 268000. Inheritance: Autosomal dominant, autosomal recessive and X linked inheritance.

Allele frequency attached by ClinVar (database versions not stated): gnomAD 0.00005 and 0.00011; gnomAD exomes 0.00012 and 0.00027; TOPMed 0.00012; ExAC 0.00030; 1000 Genomes Project 30x 0.00141; 1000 Genomes Project 0.00160.

Submissions (6):

Labcorp Genetics (formerly Invitae), Labcorp
Classification: Benign. Last evaluated: 2025-05-15. Review status: criteria provided, single submitter. Criteria: Invitae Variant Classification Sherloc (09022015). Collection method: clinical testing. Allele origin: germline.

Blueprint Genetics
Classification: Likely benign. Last evaluated: 2023-12-04. Review status: criteria provided, single submitter. Criteria: ACMG Guidelines, 2015. Collection method: clinical testing. Allele origin: germline.

Dept Of Ophthalmology, Nagoya University
Classification: Benign for Retinal dystrophy. Last evaluated: 2023-10-01. Review status: criteria provided, single submitter. Criteria: Submitter's publication. Collection method: research. Allele origin: germline. Affected: yes.

Illumina Laboratory Services, Illumina
Classification: Benign for Retinitis pigmentosa. Last evaluated: 2017-04-27. Review status: criteria provided, single submitter. Criteria: ICSL Variant Classification Criteria 13 December 2019. Collection method: clinical testing. Allele origin: germline.
Comment: This variant was observed as part of a predisposition screen in an ostensibly healthy population. A literature search was performed for the gene, cDNA change, and amino acid change (where applicable). Publications were found based on this search. The evidence from the literature, in combination with allele frequency data from public databases where available, was sufficient to rule this variant out of causing disease. Therefore, this variant is classified as benign.

Eurofins Ntd Llc (ga)
Classification: Uncertain significance. Last evaluated: 2015-02-27. Review status: criteria provided, single submitter. Criteria: EGL Classification Definitions 2015. Collection method: clinical testing. Allele origin: germline. Observed: 1 variant allele, 1 heterozygote.

PreventionGenetics, part of Exact Sciences
Classification: Likely benign for PRPF31-related condition. Last evaluated: 2019-09-11. Review status: no assertion criteria provided. Collection method: clinical testing. Allele origin: germline. Not counted in ClinVar's aggregate classification.
Comment: This variant is classified as likely benign based on ACMG/AMP sequence variant interpretation guidelines (Richards et al. 2015 PMID: 25741868, with internal and published modifications).

Literature cited by the submitters: PubMed 19506198 (cited by Illumina Laboratory Services, Illumina).

NM_015629.4(PRPF31):c.138T>C (p.Asp46=)

Gene: PRPF31 (pre-mRNA processing factor 31; plus strand). Cytogenetic location: 19q13.42.
Variant type: single nucleotide variant.
Coding change: c.138T>C on transcript NM_015629.4 (MANE Select); coding-DNA position 138, T replaced by C.
Protein change: p.Asp46=; no amino-acid change (aspartic acid 46 retained).
Molecular consequence: synonymous variant.
Genome position (GRCh38, 1-based): chr19:54,118,416, T>C. VCF-style: chr19-54118416-T-C. GRCh37 (hg19) VCF-style: chr19-54621796-T-C.
Identifiers: ClinVar variation 195310 (VCV000195310.20), dbSNP rs76251057, ClinGen allele CA241679.